The following is an entry in ClinVar:

NM_004655.4(AXIN2):c.2405+9C>T

Gene: AXIN2 (axin 2; minus strand). Cytogenetic location: 17q24.1.
Variant type: single nucleotide variant.
Coding change: c.2405+9C>T on transcript NM_004655.4 (MANE Select); 9 bases into the intron after coding-DNA position 2405, C replaced by T.
Molecular consequence: intron variant.
Genome position (GRCh38, 1-based): chr17:65,533,903, G>A on the plus strand (C>T on the coding strand, the complement: AXIN2 is on the minus strand). VCF-style: chr17-65533903-G-A. GRCh37 (hg19) VCF-style: chr17-63530021-G-A.
Other names: c.2210+9C>T (NM_001363813.1).
Identifiers: ClinVar variation 3378985 (VCV003378985.3).

ClinVar aggregate classification (germline): Likely benign. Review status: criteria provided, multiple submitters, no conflicts (2 of 4 stars). 2 submissions from 2 submitters: Likely benign (2). Last evaluated 2024-07-10.

Conditions:
Oligodontia-cancer predisposition syndrome. Also called: TOOTH AGENESIS-COLORECTAL CANCER SYNDROME. Identifiers: Orphanet 300576, MedGen C1837750, MONDO:0012075, OMIM 608615. Disease mechanism: loss of function.

gnomAD v4.1: 1 of 1,612,714 alleles (0.000062%); highest among the groups gnomAD compares: Non-Finnish European, 0.000085%; no homozygotes.

Submissions (2):

Myriad Genetics, Inc.
Classification: Likely benign for Oligodontia-cancer predisposition syndrome. Last evaluated: 2024-07-10. Review status: criteria provided, single submitter. Criteria: Myriad Autosomal Dominant, Autosomal Recessive and X-Linked Classification Criteria (2023). Collection method: clinical testing. Allele origin: unknown.
Comment: This variant is considered likely benign. This variant is intronic and is not expected to impact mRNA splicing.

Labcorp Genetics (formerly Invitae), Labcorp
Classification: Likely benign for Oligodontia-cancer predisposition syndrome. Last evaluated: 2024-05-22. Review status: criteria provided, single submitter. Criteria: Invitae Variant Classification Sherloc (09022015). Collection method: clinical testing. Allele origin: germline.